The following is an entry in ClinVar:

NM_000271.5(NPC1):c.180+1G>T

Gene: NPC1 (NPC intracellular cholesterol transporter 1; minus strand). Cytogenetic location: 18q11.2.
Variant type: single nucleotide variant.
Coding change: c.180+1G>T on transcript NM_000271.5 (MANE Select); the canonical splice donor site of the intron after coding-DNA position 180, G replaced by T.
Molecular consequence: splice donor variant.
Genome position (GRCh38, 1-based): chr18:23,573,451, C>A on the plus strand (G>T on the coding strand, the complement: NPC1 is on the minus strand). VCF-style: chr18-23573451-C-A. GRCh37 (hg19) VCF-style: chr18-21153415-C-A.
Identifiers: ClinVar variation 2809797 (VCV002809797.3), dbSNP rs2059231880, ClinGen allele CA401787295.

ClinVar aggregate classification (germline): Likely pathogenic (1 of 4 stars; one submission).

Conditions:
Niemann-Pick disease, type C1. Also called: NIEMANN-PICK DISEASE, VARIANT TYPE C1; NEUROVISCERAL STORAGE DISEASE WITH VERTICAL SUPRANUCLEAR OPHTHALMOPLEGIA; NIEMANN-PICK DISEASE WITH CHOLESTEROL ESTERIFICATION BLOCK; NIEMANN-PICK DISEASE WITHOUT SPHINGOMYELINASE DEFICIENCY; NIEMANN-PICK DISEASE, CHRONIC NEURONOPATHIC FORM. Identifiers: Orphanet 646, MedGen C3179455, MONDO:0009757, OMIM 257220.

Submission:

Labcorp Genetics (formerly Invitae), Labcorp
Classification: Likely pathogenic for Niemann-Pick disease, type C1. Last evaluated: 2023-04-25. Review status: criteria provided, single submitter. Criteria: Invitae Variant Classification Sherloc (09022015). Collection method: clinical testing. Allele origin: germline.
Comment: This sequence change affects a donor splice site in intron 2 of the NPC1 gene. It is expected to disrupt RNA splicing. Variants that disrupt the donor or acceptor splice site typically lead to a loss of protein function (PMID: 16199547), and loss-of-function variants in NPC1 are known to be pathogenic (PMID: 9211850). This variant is not present in population databases (gnomAD no frequency). This variant has not been reported in the literature in individuals affected with NPC1-related conditions. Algorithms developed to predict the effect of sequence changes on RNA splicing suggest that this variant may disrupt the consensus splice site. In summary, the currently available evidence indicates that the variant is pathogenic, but additional data are needed to prove that conclusively. Therefore, this variant has been classified as Likely Pathogenic.

Literature cited by the submitters: PubMed 16199547; PubMed 9211850.